The following is an entry in ClinVar:

NM_001130438.3(SPTAN1):c.3414+4T>C

Gene: SPTAN1 (spectrin alpha, non-erythrocytic 1; plus strand). Cytogenetic location: 9q34.11.
Variant type: single nucleotide variant.
Coding change: c.3414+4T>C on transcript NM_001130438.3 (MANE Select); 4 bases into the intron after coding-DNA position 3414, T replaced by C.
Molecular consequence: intron variant.
Genome position (GRCh38, 1-based): chr9:128,594,377, T>C. VCF-style: chr9-128594377-T-C. GRCh37 (hg19) VCF-style: chr9-131356656-T-C.
Other names: c.3414+4T>C (NM_001363759.2, NM_003127.4); c.3354+4T>C (NM_001363765.2, NM_001195532.2).
Identifiers: ClinVar variation 195806 (VCV000195806.6), dbSNP rs794727389, ClinGen allele CA242426.

ClinVar aggregate classification (germline): Conflicting classifications of pathogenicity. Review status: criteria provided, conflicting classifications (1 of 4 stars). 2 submissions from 2 submitters: Uncertain significance (1); Likely benign (1). Last evaluated 2024-09-20.

Conditions:
Developmental delay with or without epilepsy (DEVEP). Identifiers: MedGen C5882702, MONDO:0957815, OMIM 620540.
Neuronopathy, distal hereditary motor, autosomal dominant 11. Also called: NEUROPATHY, DISTAL HEREDITARY MOTOR, 11. Identifiers: MedGen C5882697, MONDO:0957875, OMIM 620528.
Spastic paraplegia 91, autosomal dominant, with or without cerebellar ataxia (SPG91). Identifiers: MedGen C5882701, MONDO:0957813, OMIM 620538.
Developmental and epileptic encephalopathy, 5 (DEE5). Identifiers: Orphanet 3451, MedGen C3150731, MONDO:0013277, OMIM 613477.

Submissions (2):

3billion
Classification: Likely benign for Developmental and epileptic encephalopathy, 5; Developmental delay with or without epilepsy; Neuronopathy, distal hereditary motor, autosomal dominant 11; Spastic paraplegia 91, autosomal dominant, with or without cerebellar ataxia. Last evaluated: 2024-09-20. Review status: criteria provided, single submitter. Criteria: ACMG Guidelines, 2015. Collection method: clinical testing. Allele origin: germline. Affected: no.
Comment: The variant was identified in at least one patient who was diagnosed with a different variant in another gene and showed no symptoms related to the gene containing the variant in question.

Eurofins Ntd Llc (ga)
Classification: Uncertain significance. Last evaluated: 2015-05-20. Review status: criteria provided, single submitter. Criteria: EGL Classification Definitions 2015. Collection method: clinical testing. Allele origin: germline. Observed: 2 variant alleles, 2 heterozygotes.